The following is an entry in ClinVar:

NM_000038.6(APC):c.516T>C (p.Leu172=)

Gene: APC (APC regulator of Wnt signaling pathway; plus strand). Cytogenetic location: 5q22.2.
Variant type: single nucleotide variant.
Coding change: c.516T>C on transcript NM_000038.6 (MANE Select); coding-DNA position 516, T replaced by C.
Protein change: p.Leu172=; no amino-acid change (leucine 172 retained).
Molecular consequence: synonymous variant. On other transcripts: 5 prime UTR variant (1).
Genome position (GRCh38, 1-based): chr5:112,775,722, T>C. VCF-style: chr5-112775722-T-C. GRCh37 (hg19) VCF-style: chr5-112111419-T-C.
Other names: c.516T>C, p.Leu172= (NM_001127510.3, NM_001354895.2, NM_001354896.2 and 2 more transcripts); c.546T>C, p.Leu182= (NM_001127511.3, NM_001354897.2, NM_001354902.2); c.441T>C, p.Leu147= (NM_001354898.2, NM_001354904.2); c.339T>C, p.Leu113= (NM_001354900.2, NM_001354901.2, NM_001354905.2); c.-520T>C (NM_001354906.2).
Identifiers: ClinVar variation 416770 (VCV000416770.17), dbSNP rs777643585, ClinGen allele CA040814.

ClinVar aggregate classification (germline): Benign/Likely benign. Review status: criteria provided, multiple submitters, no conflicts (2 of 4 stars). 5 submissions from 5 submitters: Benign (1); Likely benign (3). 1 of the submissions does not count toward it. Last evaluated 2025-08-24.

Conditions:
Familial adenomatous polyposis 1 (FAP1). Also called: FAMILIAL ADENOMATOUS POLYPOSIS 1, ATTENUATED; POLYPOSIS, ADENOMATOUS INTESTINAL. Identifiers: MedGen C2713442, MONDO:0021056, OMIM 175100. Disease mechanism: loss of function.
Hereditary cancer-predisposing syndrome. Also called: Tumor predisposition; Neoplastic Syndromes, Hereditary; Hereditary neoplastic syndrome; Hereditary Cancer Syndrome. Identifiers: Orphanet 140162, MedGen C0027672, MeSH D009386, MONDO:0015356.

Allele frequency attached by ClinVar (database versions not stated): gnomAD exomes below 0.00001; TOPMed below 0.00001; ExAC 0.00001; gnomAD 0.00001.

Submissions (5):

Labcorp Genetics (formerly Invitae), Labcorp
Classification: Likely benign for Familial adenomatous polyposis 1. Last evaluated: 2025-08-24. Review status: criteria provided, single submitter. Criteria: Invitae Variant Classification Sherloc (09022015). Collection method: clinical testing. Allele origin: germline.

Myriad Genetics, Inc.
Classification: Benign for Familial adenomatous polyposis 1. Last evaluated: 2024-02-23. Review status: criteria provided, single submitter. Criteria: Myriad Autosomal Dominant, Autosomal Recessive and X-Linked Classification Criteria (2023). Collection method: clinical testing. Allele origin: unknown.
Comment: This variant is considered benign. This variant is a silent/synonymous amino acid change and it is not expected to impact splicing.

Ambry Genetics
Classification: Likely benign for Hereditary cancer-predisposing syndrome. Last evaluated: 2020-02-03. Review status: criteria provided, single submitter. Criteria: Ambry Variant Classification Scheme 2023. Collection method: clinical testing. Allele origin: germline.

Color Diagnostics, LLC DBA Color Health
Classification: Likely benign for Hereditary cancer-predisposing syndrome. Last evaluated: 2016-12-22. Review status: criteria provided, single submitter. Criteria: ACMG Guidelines, 2015. Collection method: clinical testing. Allele origin: germline.

Department of Pathology and Laboratory Medicine, Sinai Health System
Classification: Likely benign for Familial adenomatous polyposis 1. Review status: no assertion criteria provided. Collection method: clinical testing. Allele origin: unknown. Affected: yes. Study: The Canadian Open Genetics Repository (COGR). Not counted in ClinVar's aggregate classification.
Comment: The APC p.Leu172= variant was not identified in the literature nor was it identified in the COGR, Cosmic, UMD-LSDB, or in Zhejiang University databases. The variant was identified in dbSNP (ID: rs777643585) as "With Likely benign allele ", ClinVar (classified as likely benign by Invitae, Color Genomics), and in LOVD 3.0. The variant was identified in control databases in 1 of 226782 chromosomes at a frequency of 0.000004 (Genome Aggregation Database Feb 27, 2017). The variant was observed in European population in 1 of 105824 chromosomes (freq: 0.000009), but not in the African, Other, Latino, Ashkenazi Jewish, East Asian, Finnish, and South Asian populations. The p.Leu172= variant is not expected to have clinical significance because it does not result in a change of amino acid and is not located in a known consensus splice site. In addition, in silico or computational prediction software programs (SpliceSiteFinder, MaxEntScan, NNSPLICE, GeneSplicer, HumanSpliceFinder) do not predict a difference in splicing. In summary, based on the above information the clinical significance of this variant cannot be determined with certainty at this time although we would lean towards a more benign role for this variant. This variant is classified as likely benign.